The following is an entry in ClinVar:

NM_024426.6(WT1):c.1478G>A (p.Ser493Asn)

Gene: WT1 (WT1 transcription factor; minus strand). Cytogenetic location: 11p13.
Variant type: single nucleotide variant.
Coding change: c.1478G>A on transcript NM_024426.6 (MANE Select); coding-DNA position 1478, G replaced by A.
Protein change: p.Ser493Asn; replaces serine 493 with asparagine.
Molecular consequence: missense variant. On other transcripts: non-coding transcript variant (1).
Genome position (GRCh38, 1-based): chr11:32,389,149, C>T on the plus strand (G>A on the coding strand, the complement: WT1 is on the minus strand). VCF-style: chr11-32389149-C-T. GRCh37 (hg19) VCF-style: chr11-32410695-C-T.
Other names: c.1418G>A, p.Ser473Asn (NM_000378.6); c.818G>A, p.Ser273Asn (NM_001198551.2); c.776G>A, p.Ser259Asn (NM_001198552.2); c.290G>A, p.Ser97Asn (NM_001367854.1); c.1463G>A, p.Ser488Asn (NM_001407044.1); c.1427G>A, p.Ser476Asn (NM_001407045.1); c.1385G>A, p.Ser462Asn (NM_001407046.1); c.1346G>A, p.Ser449Asn (NM_001407047.1); and 6 more; short protein forms S273N, S493N, S259N, S490N, S97N, S473N, S239N, S446N.
Identifiers: ClinVar variation 578607 (VCV000578607.17), dbSNP rs763551837, ClinGen allele CA219471719.

ClinVar aggregate classification (germline): Uncertain significance. Review status: criteria provided, multiple submitters, no conflicts (2 of 4 stars). 6 submissions from 6 submitters: Uncertain significance (6). Last evaluated 2026-06-09.

Conditions:
Drash syndrome (DDS). Also called: NEPHROPATHY, WILMS TUMOR, AND GENITAL ANOMALIES; WILMS TUMOR AND PSEUDO- OR TRUE HERMAPHRODITISM. Identifiers: Orphanet 220, MedGen C0950121, MONDO:0008682, OMIM 194080.
Frasier syndrome. Identifiers: Orphanet 347, MedGen C0950122, MeSH D052159, MONDO:0007635, OMIM 136680.
Wilms tumor 1 (WT1). Also called: Wilms tumor, somatic. Identifiers: Orphanet 654, MedGen CN033288, MONDO:0008679, OMIM 194070.
11p partial monosomy syndrome (WAGR). Also called: WAGR syndrome; WAGR Spectrum Disorder; WAGR Complex; CHROMOSOME 11p13 DELETION SYNDROME. Identifiers: Orphanet 893, MedGen C0206115, MONDO:0008681, OMIM 194072.
Inborn genetic diseases. Identifiers: MedGen C0950123, MeSH D030342.

gnomAD v4.1: 3 of 1,614,222 alleles (0.00019%); highest among the groups gnomAD compares: Non-Finnish European, 0.00025%; no homozygotes.

Submissions (6):

Ambry Genetics
Classification: Uncertain significance for Inborn genetic diseases. Last evaluated: 2026-06-09. Review status: criteria provided, single submitter. Criteria: Ambry Variant Classification Scheme 2023. Collection method: clinical testing. Allele origin: germline.

Labcorp Genetics (formerly Invitae), Labcorp
Classification: Uncertain significance for Wilms tumor 1; Drash syndrome; 11p partial monosomy syndrome; Frasier syndrome. Last evaluated: 2025-06-22. Review status: criteria provided, single submitter. Criteria: Invitae Variant Classification Sherloc (09022015). Collection method: clinical testing. Allele origin: germline.
Comment: This sequence change replaces serine, which is neutral and polar, with asparagine, which is neutral and polar, at codon 488 of the WT1 protein (p.Ser488Asn). This variant is not present in population databases (gnomAD no frequency). This variant has not been reported in the literature in individuals affected with WT1-related conditions. ClinVar contains an entry for this variant (Variation ID: 578607). Invitae Evidence Modeling of protein sequence and biophysical properties (such as structural, functional, and spatial information, amino acid conservation, physicochemical variation, residue mobility, and thermodynamic stability) indicates that this missense variant is not expected to disrupt WT1 protein function with a negative predictive value of 95%. In summary, the available evidence is currently insufficient to determine the role of this variant in disease. Therefore, it has been classified as a Variant of Uncertain Significance.

Color Diagnostics, LLC DBA Color Health
Classification: Uncertain significance for Wilms tumor 1. Last evaluated: 2024-03-06. Review status: criteria provided, single submitter. Criteria: ACMG Guidelines, 2015. Collection method: clinical testing. Allele origin: germline.
Comment: This missense variant replaces serine with asparagine at codon 488 in the WT1 protein. Computational prediction suggests that this variant may not impact protein structure and function. To our knowledge, functional studies have not been reported for this variant. This variant has not been reported in individuals affected with WT1-related disorders in the literature. This variant has not been identified in the general population by the Genome Aggregation Database (gnomAD). The available evidence is insufficient to determine the role of this variant in disease conclusively. Therefore, this variant is classified as a Variant of Uncertain Significance.

All of Us Research Program, National Institutes of Health
Classification: Uncertain significance for Wilms tumor 1. Last evaluated: 2023-05-04. Review status: criteria provided, single submitter. Criteria: ACMG Guidelines, 2015. Collection method: clinical testing. Allele origin: germline. Inheritance: Autosomal dominant inheritance. Observed: 1 variant allele, 1 heterozygote.
Comment: This missense variant replaces serine with asparagine at codon 488 in the WT1 protein. Computational prediction suggests that this variant may not impact protein structure and function (internally defined REVEL score threshold <= 0.5, PMID: 27666373). To our knowledge, functional studies have not been reported for this variant. This variant has not been reported in individuals affected with WT1-related disorders in the literature. This variant has not been identified in the general population by the Genome Aggregation Database (gnomAD). The available evidence is insufficient to determine the role of this variant in disease conclusively. Therefore, this variant is classified as a Variant of Uncertain Significance.

This study involves interpretation of variants in research participants for the purpose of population health screening. Participant phenotype was not available at the time of variant classification. Additional details can be found in publication PMID: 35346344, PMCID: PMC8962531

Baylor Genetics
Classification: Uncertain significance for Frasier syndrome. Last evaluated: 2019-11-19. Review status: criteria provided, single submitter. Criteria: ACMG Guidelines, 2015. Collection method: clinical testing. Allele origin: unknown. Affected: yes. Study: CSER-TexasKidsCanSeq.
Comment: This variant was determined to be of uncertain significance according to ACMG Guidelines, 2015 [PMID:25741868].

Mendelics
Classification: Uncertain significance for Wilms tumor 1. Last evaluated: 2018-07-02. Review status: criteria provided, single submitter. Criteria: Mendelics Assertion Criteria 2017. Collection method: clinical testing. Allele origin: unknown.